The following is an entry in ClinVar:

NM_000368.5(TSC1):c.3402C>T (p.Asn1134=)

Gene: TSC1 (TSC complex subunit 1; minus strand). Cytogenetic location: 9q34.13.
Variant type: single nucleotide variant.
Coding change: c.3402C>T on transcript NM_000368.5 (MANE Select); coding-DNA position 3402, C replaced by T.
Protein change: p.Asn1134=; no amino-acid change (asparagine 1134 retained).
Molecular consequence: synonymous variant.
Genome position (GRCh38, 1-based): chr9:132,896,328, G>A on the plus strand (C>T on the coding strand, the complement: TSC1 is on the minus strand). VCF-style: chr9-132896328-G-A. GRCh37 (hg19) VCF-style: chr9-135771715-G-A.
Other names: c.3399C>T, p.Asn1133= (NM_001162426.2); c.3249C>T, p.Asn1083= (NM_001162427.2); c.3039C>T, p.Asn1013= (NM_001362177.2).
Identifiers: ClinVar variation 534498 (VCV000534498.16), dbSNP rs769266225, ClinGen allele CA036759.

ClinVar aggregate classification (germline): Conflicting classifications of pathogenicity. Review status: criteria provided, conflicting classifications (1 of 4 stars). 5 submissions from 5 submitters: Uncertain significance (2); Benign (2); Likely benign (1). Last evaluated 2026-02-03.

Conditions:
Tuberous sclerosis syndrome (TSC). Also called: Tuberous Sclerosis Complex; Tuberous sclerosis. Identifiers: Orphanet 805, MedGen C0041341, MONDO:0001734.
Hereditary cancer-predisposing syndrome. Also called: Neoplastic Syndromes, Hereditary; Hereditary neoplastic syndrome; Tumor predisposition; Hereditary Cancer Syndrome. Identifiers: Orphanet 140162, MedGen C0027672, MeSH D009386, MONDO:0015356.
Tuberous sclerosis 1 (TSC1). Identifiers: Orphanet 805, MedGen C1854465, MONDO:0008612, OMIM 191100.

Allele frequency attached by ClinVar (database versions not stated): gnomAD exomes 0.00001 and 0.00004; ExAC 0.00002.
gnomAD v4.1: 20 of 1,614,202 alleles (0.0012%); highest among the groups gnomAD compares: East Asian, 0.016%; no homozygotes.

Submissions (5):

Labcorp Genetics (formerly Invitae), Labcorp
Classification: Benign for Tuberous sclerosis 1. Last evaluated: 2026-02-03. Review status: criteria provided, single submitter. Criteria: Invitae Variant Classification Sherloc (09022015). Collection method: clinical testing. Allele origin: germline.

Myriad Genetics, Inc.
Classification: Benign for Tuberous sclerosis 1. Last evaluated: 2025-04-30. Review status: criteria provided, single submitter. Criteria: Myriad Autosomal Dominant, Autosomal Recessive and X-Linked Classification Criteria (2023). Collection method: clinical testing. Allele origin: unknown.
Comment: This variant is considered benign. This variant is a silent/synonymous amino acid change and it is not expected to impact splicing.

All of Us Research Program, National Institutes of Health
Classification: Uncertain significance for Tuberous sclerosis syndrome. Last evaluated: 2024-01-11. Review status: criteria provided, single submitter. Criteria: ACMG Guidelines, 2015. Collection method: clinical testing. Allele origin: germline. Inheritance: Autosomal dominant inheritance. Observed: 3 variant alleles, 3 heterozygotes.
Comment: This variant is located in the TSC1 protein. To our knowledge, functional studies have not been reported for this variant. This variant has not been reported in individuals affected with TSC1-related disorders in the literature. This variant has been identified in 9/251386 chromosomes in the general population by the Genome Aggregation Database (gnomAD). The available evidence is insufficient to determine the role of this variant in disease conclusively. Therefore, this variant is classified as a Variant of Uncertain Significance.

This study involves interpretation of variants in research participants for the purpose of population health screening. Participant phenotype was not available at the time of variant classification. Additional details can be found in publication PMID: 35346344, PMCID: PMC8962531

Color Diagnostics, LLC DBA Color Health
Classification: Uncertain significance for Tuberous sclerosis syndrome. Last evaluated: 2023-08-23. Review status: criteria provided, single submitter. Criteria: ACMG Guidelines, 2015. Collection method: clinical testing. Allele origin: germline.
Comment: This variant is located in the TSC1 protein. To our knowledge, functional studies have not been reported for this variant. This variant has not been reported in individuals affected with TSC1-related disorders in the literature. This variant has been identified in 9/251386 chromosomes in the general population by the Genome Aggregation Database (gnomAD). The available evidence is insufficient to determine the role of this variant in disease conclusively. Therefore, this variant is classified as a Variant of Uncertain Significance.

Ambry Genetics
Classification: Likely benign for Hereditary cancer-predisposing syndrome. Last evaluated: 2019-05-13. Review status: criteria provided, single submitter. Criteria: Ambry Variant Classification Scheme 2023. Collection method: clinical testing. Allele origin: germline.